The following is an entry in ClinVar:

ClinVar aggregate classification (germline): Uncertain significance. Review status: criteria provided, multiple submitters, no conflicts (2 of 4 stars). 2 submissions from 2 submitters: Uncertain significance (2). Last evaluated 2023-11-12.

Conditions:
Familial sleep-related hypermotor epilepsy. Also called: Autosomal Dominant Sleep-Related Hypermotor (Hyperkinetic) Epilepsy. Identifiers: Orphanet 98784, MedGen C3696898, MONDO:0000030.

Submissions (2):

GeneDx
Classification: Uncertain significance. Last evaluated: 2023-11-12. Review status: criteria provided, single submitter. Criteria: GeneDx Variant Classification Process June 2021. Collection method: clinical testing. Allele origin: germline. Affected: yes.
Comment: Not observed at significant frequency in large population cohorts (gnomAD); In silico analysis supports that this missense variant has a deleterious effect on protein structure/function; Has not been previously published as pathogenic or benign to our knowledge

Labcorp Genetics (formerly Invitae), Labcorp
Classification: Uncertain significance. Last evaluated: 2022-07-25. Review status: criteria provided, single submitter. Criteria: Invitae Variant Classification Sherloc (09022015). Collection method: clinical testing. Allele origin: germline.
Comment: In summary, the available evidence is currently insufficient to determine the role of this variant in disease. Therefore, it has been classified as a Variant of Uncertain Significance. Algorithms developed to predict the effect of missense changes on protein structure and function are either unavailable or do not agree on the potential impact of this missense change (SIFT: "Deleterious"; PolyPhen-2: "Probably Damaging"; Align-GVGD: "Class C15"). ClinVar contains an entry for this variant (Variation ID: 862891). This variant has not been reported in the literature in individuals affected with CHRNA2-related conditions. This variant is not present in population databases (gnomAD no frequency). This sequence change replaces leucine, which is neutral and non-polar, with phenylalanine, which is neutral and non-polar, at codon 62 of the CHRNA2 protein (p.Leu62Phe).

NM_000742.4(CHRNA2):c.184C>T (p.Leu62Phe)

Gene: CHRNA2 (cholinergic receptor nicotinic alpha 2 subunit; minus strand). Cytogenetic location: 8p21.2.
Variant type: single nucleotide variant.
Coding change: c.184C>T on transcript NM_000742.4 (MANE Select); coding-DNA position 184, C replaced by T.
Protein change: p.Leu62Phe; replaces leucine 62 with phenylalanine.
Molecular consequence: missense variant. On other transcripts: 5 prime UTR variant (4).
Genome position (GRCh38, 1-based): chr8:27,469,871, G>A on the plus strand (C>T on the coding strand, the complement: CHRNA2 is on the minus strand). VCF-style: chr8-27469871-G-A. GRCh37 (hg19) VCF-style: chr8-27327388-G-A.
Other names: c.184C>T, p.Leu62Phe (NM_001282455.2); c.-244C>T (NM_001347705.2); c.-289C>T (NM_001347706.2); c.-230C>T (NM_001347707.2); c.-278C>T (NM_001347708.2); short protein forms L62F.
Identifiers: ClinVar variation 862891 (VCV000862891.7), dbSNP rs903870658, ClinGen allele CA174247607.